The following is an entry in ClinVar:

ClinVar aggregate classification (germline): Uncertain significance. Review status: criteria provided, multiple submitters, no conflicts (2 of 4 stars). 4 submissions from 4 submitters: Uncertain significance (4). Last evaluated 2026-05-12.

Conditions:
RYR1-related disorder. Also called: RYR1-related disorders; RYR1-related condition. Identifiers: MedGen CN239331.
Inborn genetic diseases. Identifiers: MedGen C0950123, MeSH D030342.
Malignant hyperthermia, susceptibility to, 1 (MHS1). Also called: Anesthesia related hyperthermia; Malignant hyperpyrexia; Fulminating hyperpyrexia; Pharmacogenic myopathy; RYR1-Related Malignant Hyperthermia Susceptibility; Malignant hyperthermia suceptibility 1. Identifiers: Orphanet 423, MedGen C2930980, MONDO:0007783, OMIM 145600.

Allele frequency attached by ClinVar (database versions not stated): TOPMed below 0.00001; gnomAD 0.00002; ExAC 0.00003.
gnomAD v4.1: 29 of 1,613,272 alleles (0.0018%); highest among the groups gnomAD compares: South Asian, 0.03%; 1 homozygote.

Submissions (4):

GeneDx
Classification: Uncertain significance. Last evaluated: 2026-05-12. Review status: criteria provided, single submitter. Criteria: GeneDx Variant Classification Process June 2021. Collection method: clinical testing. Allele origin: germline.
Comment: In silico analysis supports that this missense variant has a deleterious effect on protein structure/function; Has not been previously published as pathogenic or benign to our knowledge; This variant is associated with the following publications: (PMID: 12668474, 33767344)

Ambry Genetics
Classification: Uncertain significance for Inborn genetic diseases. Last evaluated: 2025-08-12. Review status: criteria provided, single submitter. Criteria: Ambry Variant Classification Scheme 2023. Collection method: clinical testing. Allele origin: germline.

Labcorp Genetics (formerly Invitae), Labcorp
Classification: Uncertain significance for RYR1-related disorder. Last evaluated: 2025-04-23. Review status: criteria provided, single submitter. Criteria: Invitae Variant Classification Sherloc (09022015). Collection method: clinical testing. Allele origin: germline.
Comment: This sequence change replaces asparagine, which is neutral and polar, with serine, which is neutral and polar, at codon 2284 of the RYR1 protein (p.Asn2284Ser). This variant is present in population databases (rs779515779, gnomAD 0.02%). This variant has not been reported in the literature in individuals affected with RYR1-related conditions. ClinVar contains an entry for this variant (Variation ID: 1409271). Invitae Evidence Modeling of protein sequence and biophysical properties (such as structural, functional, and spatial information, amino acid conservation, physicochemical variation, residue mobility, and thermodynamic stability) indicates that this missense variant is not expected to disrupt RYR1 protein function with a negative predictive value of 80%. In summary, the available evidence is currently insufficient to determine the role of this variant in disease. Therefore, it has been classified as a Variant of Uncertain Significance.

Color Diagnostics, LLC DBA Color Health
Classification: Uncertain significance for Malignant hyperthermia, susceptibility to, 1. Last evaluated: 2024-03-13. Review status: criteria provided, single submitter. Criteria: ACMG Guidelines, 2015. Collection method: clinical testing. Allele origin: germline.
Comment: This missense variant replaces asparagine with serine at codon 2284 of the RYR1 protein. Computational prediction suggests that this variant may have deleterious impact on protein structure and function. To our knowledge, functional studies have not been reported for this variant. This variant has not been reported in individuals affected with RYR1-related disorders in the literature. This variant has been identified in 7/250434 chromosomes in the general population by the Genome Aggregation Database (gnomAD). The available evidence is insufficient to determine the role of this variant in disease conclusively. Therefore, this variant is classified as a Variant of Uncertain Significance.

NM_000540.3(RYR1):c.6851A>G (p.Asn2284Ser)

Gene: RYR1 (ryanodine receptor 1; plus strand). Cytogenetic location: 19q13.2.
Variant type: single nucleotide variant.
Coding change: c.6851A>G on transcript NM_000540.3 (MANE Select); coding-DNA position 6851, A replaced by G.
Protein change: p.Asn2284Ser; replaces asparagine 2284 with serine.
Molecular consequence: missense variant.
Genome position (GRCh38, 1-based): chr19:38,496,914, A>G. VCF-style: chr19-38496914-A-G. GRCh37 (hg19) VCF-style: chr19-38987554-A-G.
Other names: c.6851A>G (NM_000540.2); c.6851A>G, p.Asn2284Ser (NM_001042723.2); short protein forms N2284S.
Identifiers: ClinVar variation 1409271 (VCV001409271.9), dbSNP rs779515779, ClinGen allele CA068804.